The following is an entry in ClinVar:

ClinVar aggregate classification (germline): Likely benign (0 of 4 stars; one submission).

Conditions:
FLCN-related disorder. Also called: FLCN-related condition.

Submission:

PreventionGenetics, part of Exact Sciences
Classification: Likely benign for FLCN-related condition. Last evaluated: 2024-07-23. Review status: no assertion criteria provided. Collection method: clinical testing. Allele origin: germline.
Comment: This variant is classified as likely benign based on ACMG/AMP sequence variant interpretation guidelines (Richards et al. 2015 PMID: 25741868, with internal and published modifications).

NM_144997.7(FLCN):c.871+159T>C

Gene: FLCN (folliculin; minus strand). Cytogenetic location: 17p11.2.
Variant type: single nucleotide variant.
Coding change: c.871+159T>C on transcript NM_144997.7 (MANE Select); 159 bases into the intron after coding-DNA position 871, T replaced by C.
Molecular consequence: intron variant. On other transcripts: 3 prime UTR variant (1).
Genome position (GRCh38, 1-based): chr17:17,221,378, A>G on the plus strand (T>C on the coding strand, the complement: FLCN is on the minus strand). VCF-style: chr17-17221378-A-G. GRCh37 (hg19) VCF-style: chr17-17124692-A-G.
Other names: c.*1T>C (NM_144606.7); c.871+159T>C (NM_001353231.2, NM_001353230.2); c.925+159T>C (NM_001353229.2).
Identifiers: ClinVar variation 3351525 (VCV003351525.1).